The following is an entry in ClinVar:

NM_000642.3(AGL):c.22C>T (p.Arg8Ter)

Gene: AGL (amylo-alpha-1,6-glucosidase and 4-alpha-glucanotransferase; plus strand). Cytogenetic location: 1p21.2.
Variant type: single nucleotide variant.
Coding change: c.22C>T on transcript NM_000642.3 (MANE Select); coding-DNA position 22, C replaced by T.
Protein change: p.Arg8Ter; replaces arginine 8 with a stop codon.
Molecular consequence: nonsense.
Genome position (GRCh38, 1-based): chr1:99,851,064, C>T. VCF-style: chr1-99851064-C-T. GRCh37 (hg19) VCF-style: chr1-100316620-C-T.
Other names: c.22C>T, p.Arg8Ter (NM_000028.3, NM_000643.3, NM_000644.3 and 6 more transcripts); c.-170C>T (NM_000646.3); short protein forms R8*.
Identifiers: ClinVar variation 370924 (VCV000370924.23), dbSNP rs1057516870, ClinGen allele CA16040818.

ClinVar aggregate classification (germline): Pathogenic/Likely pathogenic. Review status: criteria provided, multiple submitters, no conflicts (2 of 4 stars). 6 submissions from 6 submitters: Pathogenic (4); Likely pathogenic (1). 1 of the submissions does not count toward it. Last evaluated 2026-01-12.

Conditions:
Glycogen storage disease type III (GSD3). Also called: Cori disease; FORBES DISEASE. Identifiers: Orphanet 366, MedGen C0017922, MONDO:0009291, OMIM 232400.

Allele frequency attached by ClinVar (database versions not stated): gnomAD 0.00001.
gnomAD v4.1: 4 of 1,613,882 alleles (0.00025%); highest among the groups gnomAD compares: Non-Finnish European, 0.00034%; no homozygotes.

Submissions (6):

Natera, Inc.
Classification: Pathogenic for Glycogen storage disease type III. Last evaluated: 2026-01-12. Review status: criteria provided, single submitter. Criteria: Natera Variant Classification Schema (03/2026). Collection method: clinical testing. Allele origin: germline.
Comment: The c.22C>T variant in AGL is a nonsense variant predicted to introduce a stop codon at amino acid 8. This variant is expected to result in nonsense mediated decay, truncation, or a dysfunctional protein product. This variant is rare in the general population with a frequency below the threshold expected for the associated phenotype(s). This variant has been observed in one or more individuals affected with the associated recessive disease, as either homozygous or compound heterozygous with a second variant (PMID: 27460348). Given the available evidence, this variant is classified as Pathogenic.

Labcorp Genetics (formerly Invitae), Labcorp
Classification: Pathogenic for Glycogen storage disease type III. Last evaluated: 2025-12-13. Review status: criteria provided, single submitter. Criteria: Invitae Variant Classification Sherloc (09022015). Collection method: clinical testing. Allele origin: germline.
Comment: This sequence change creates a premature translational stop signal (p.Arg8*) in the AGL gene. It is expected to result in an absent or disrupted protein product. Loss-of-function variants in AGL are known to be pathogenic (PMID: 19299494). This variant is not present in population databases (gnomAD no frequency). This premature translational stop signal has been observed in individual(s) with glycogen storage disease (PMID: 27106217). ClinVar contains an entry for this variant (Variation ID: 370924). For these reasons, this variant has been classified as Pathogenic.

Baylor Genetics
Classification: Pathogenic for Glycogen storage disease type III. Last evaluated: 2023-11-12. Review status: criteria provided, single submitter. Criteria: ACMG Guidelines, 2015. Collection method: clinical testing. Allele origin: unknown.

Fulgent Genetics
Classification: Likely pathogenic for Glycogen storage disease type III. Last evaluated: 2022-04-18. Review status: criteria provided, single submitter. Criteria: ACMG Guidelines, 2015. Collection method: clinical testing. Allele origin: unknown.

Genome-Nilou Lab
Classification: Pathogenic for Glycogen storage disease type III. Last evaluated: 2021-07-15. Review status: criteria provided, single submitter. Criteria: ACMG Guidelines, 2015. Collection method: clinical testing. Allele origin: germline. Affected: no.

Counsyl
Classification: Likely pathogenic for Glycogen storage disease type III. Last evaluated: 2016-05-18. Review status: no assertion criteria provided. Collection method: clinical testing. Allele origin: unknown. Not counted in ClinVar's aggregate classification.

Literature cited by the submitters: PubMed 27460348 (cited by Natera, Inc.); PubMed 19299494 (cited by Labcorp Genetics (formerly Invitae), Labcorp); PubMed 27106217 (cited by Labcorp Genetics (formerly Invitae), Labcorp).